The following is an entry in ClinVar:

NM_015466.4(PTPN23):c.2539C>T (p.Pro847Ser)

Gene: PTPN23 (protein tyrosine phosphatase non-receptor type 23; plus strand). Cytogenetic location: 3p21.31.
Variant type: single nucleotide variant.
Coding change: c.2539C>T on transcript NM_015466.4 (MANE Select); coding-DNA position 2539, C replaced by T.
Protein change: p.Pro847Ser; replaces proline 847 with serine.
Molecular consequence: missense variant.
Genome position (GRCh38, 1-based): chr3:47,410,337, C>T. VCF-style: chr3-47410337-C-T. GRCh37 (hg19) VCF-style: chr3-47451827-C-T.
Other names: c.2161C>T, p.Pro721Ser (NM_001304482.2); short protein forms P847S, P721S.
Identifiers: ClinVar variation 1508819 (VCV001508819.5), dbSNP rs1705242407, ClinGen allele CA352559379.

ClinVar aggregate classification (germline): Uncertain significance (1 of 4 stars; one submission).

gnomAD v4.1: 3 of 1,607,702 alleles (0.00019%); highest among the groups gnomAD compares: South Asian, 0.0022%; no homozygotes.

Submission:

Labcorp Genetics (formerly Invitae), Labcorp
Classification: Uncertain significance. Last evaluated: 2022-09-01. Review status: criteria provided, single submitter. Criteria: Invitae Variant Classification Sherloc (09022015). Collection method: clinical testing. Allele origin: germline.
Comment: This sequence change replaces proline, which is neutral and non-polar, with serine, which is neutral and polar, at codon 847 of the PTPN23 protein (p.Pro847Ser). This variant is not present in population databases (gnomAD no frequency). This variant has not been reported in the literature in individuals affected with PTPN23-related conditions. ClinVar contains an entry for this variant (Variation ID: 1508819). Algorithms developed to predict the effect of missense changes on protein structure and function are either unavailable or do not agree on the potential impact of this missense change (SIFT: "Deleterious"; PolyPhen-2: "Not Available"; Align-GVGD: "Class C0"). In summary, the available evidence is currently insufficient to determine the role of this variant in disease. Therefore, it has been classified as a Variant of Uncertain Significance.